The following is an entry in ClinVar:

NM_001453.3(FOXC1):c.1064C>T (p.Pro355Leu)

Gene: FOXC1 (forkhead box C1; plus strand). Cytogenetic location: 6p25.3.
Variant type: single nucleotide variant.
Coding change: c.1064C>T on transcript NM_001453.3 (MANE Select); coding-DNA position 1064, C replaced by T.
Protein change: p.Pro355Leu; replaces proline 355 with leucine.
Molecular consequence: missense variant.
Genome position (GRCh38, 1-based): chr6:1,611,509, C>T. VCF-style: chr6-1611509-C-T. GRCh37 (hg19) VCF-style: chr6-1611744-C-T.
Other names: short protein forms P355L.
Identifiers: ClinVar variation 286661 (VCV000286661.14), dbSNP rs886043447, ClinGen allele CA10605534.

ClinVar aggregate classification (germline): Uncertain significance. Review status: criteria provided, multiple submitters, no conflicts (2 of 4 stars). 4 submissions from 4 submitters: Uncertain significance (4). Last evaluated 2026-01-19.

Conditions:
Inborn genetic diseases. Identifiers: MedGen C0950123, MeSH D030342.
Anterior segment dysgenesis 3 (ASGD3). Also called: Glaucoma iridogoniodysplasia, familial; IRIDOGONIODYSGENESIS ANOMALY, AUTOSOMAL DOMINANT. Identifiers: Orphanet 91483, MedGen C5975707, MONDO:0024456, OMIM 601631.
Axenfeld-Rieger syndrome type 3 (RIEG3). Also called: AXENFELD-RIEGER ANOMALY WITH CARDIAC DEFECTS AND/OR SENSORINEURAL HEARING LOSS. Identifiers: Orphanet 782, MedGen C2678503, MONDO:0011233, OMIM 602482.

Allele frequency attached by ClinVar (database versions not stated): gnomAD exomes 0.00001; gnomAD 0.00007 and 0.00008; TOPMed 0.00014.

Submissions (4):

Labcorp Genetics (formerly Invitae), Labcorp
Classification: Uncertain significance for Axenfeld-Rieger syndrome type 3. Last evaluated: 2026-01-19. Review status: criteria provided, single submitter. Criteria: Invitae Variant Classification Sherloc (09022015). Collection method: clinical testing. Allele origin: germline.
Comment: This sequence change replaces proline, which is neutral and non-polar, with leucine, which is neutral and non-polar, at codon 355 of the FOXC1 protein (p.Pro355Leu). The frequency data for this variant in the population databases is considered unreliable, as metrics indicate poor data quality at this position in the gnomAD database. This variant has not been reported in the literature in individuals affected with FOXC1-related conditions. ClinVar contains an entry for this variant (Variation ID: 286661). An algorithm developed to predict the effect of missense changes on protein structure and function (PolyPhen-2) suggests that this variant is likely to be disruptive. In summary, the available evidence is currently insufficient to determine the role of this variant in disease. Therefore, it has been classified as a Variant of Uncertain Significance.

Ambry Genetics
Classification: Uncertain significance for Inborn genetic diseases. Last evaluated: 2025-04-03. Review status: criteria provided, single submitter. Criteria: Ambry Variant Classification Scheme 2023. Collection method: clinical testing. Allele origin: germline.

Fulgent Genetics
Classification: Uncertain significance for Anterior segment dysgenesis 3; Axenfeld-Rieger syndrome type 3. Last evaluated: 2022-03-17. Review status: criteria provided, single submitter. Criteria: ACMG Guidelines, 2015. Collection method: clinical testing. Allele origin: unknown.

Eurofins Ntd Llc (ga)
Classification: Uncertain significance. Last evaluated: 2016-03-21. Review status: criteria provided, single submitter. Criteria: EGL Classification Definitions 2015. Collection method: clinical testing. Allele origin: germline. Observed: 1 variant allele, 1 heterozygote.